The following is an entry in ClinVar:

ClinVar aggregate classification (germline): Pathogenic/Likely pathogenic. Review status: criteria provided, multiple submitters, no conflicts (2 of 4 stars). 6 submissions from 6 submitters: Pathogenic (2); Likely pathogenic (1). 3 of the submissions do not count toward it. Last evaluated 2020-10-23.

Conditions:
XRCC4-related disorder. Also called: XRCC4-related condition.
Short stature, microcephaly, and endocrine dysfunction (SSMED). Identifiers: Orphanet 436182, MedGen C4225288, MONDO:0014686, OMIM 616541.
Ateleiotic dwarfism (IGHD1A). Also called: Isolated growth hormone deficiency type 1A; Growth hormone deficiency, isolated autosomal recessive; ILLIG type growth hormone deficiency; Pituitary dwarfism 1; IGHD IA; PITUITARY DWARFISM I. Identifiers: Orphanet 231662, Orphanet 631, MedGen C0342573, MONDO:0009876, OMIM 262400.

Allele frequency attached by ClinVar (database versions not stated): gnomAD exomes 0.00002; ExAC 0.00003.
gnomAD v4.1: 11 of 1,612,886 alleles (0.00068%); highest among the groups gnomAD compares: South Asian, 0.012%; no homozygotes.

Submissions (6):

Institute of Medical Genetics and Applied Genomics, University Hospital Tübingen
Classification: Pathogenic. Last evaluated: 2020-10-23. Review status: criteria provided, single submitter. Criteria: ACMG Guidelines, 2015. Collection method: clinical testing. Allele origin: germline. Inheritance: Unknown mechanism. Affected: yes.

GeneDx
Classification: Pathogenic. Last evaluated: 2016-12-13. Review status: criteria provided, single submitter. Criteria: GeneDx Variant Classification (06012015). Collection method: clinical testing. Allele origin: germline. Affected: yes.
Comment: The W43R pathogenic variant in the XRCC4 gene has been reported previously in the homozygous state in at least two individuals with microcephalic primordial dwarfism (Shaheen et al., 2014; Murray et al., 2015). Functional studies demonstrate that this variant impairs XRCC4 function and results in greatly reduced protein levels as compared to wild type (Murray et al., 2015; Guo et al., 2015). The W43R variant was not observed in approximately 6500 individuals of European and African American ancestry in the NHLBI Exome Sequencing Project, indicating it is not a common benign variant in these populations. This variant is a non-conservative amino acid substitution, which occurs at a position that is conserved across species. In silico analysis predicts this variant is probably damaging to the protein structure/function. We interpret W43R as a pathogenic variant.

Pathology and Clinical Laboratory Medicine, King Fahad Medical City
Classification: Likely pathogenic for Short stature, microcephaly, and endocrine dysfunction. Review status: criteria provided, single submitter. Criteria: ACMG Guidelines, 2015. Collection method: clinical testing. Allele origin: germline. Affected: yes. Observed: 2 variant alleles.

PreventionGenetics, part of Exact Sciences
Classification: Pathogenic for XRCC4-related condition. Last evaluated: 2024-07-23. Review status: no assertion criteria provided. Collection method: clinical testing. Allele origin: germline. Not counted in ClinVar's aggregate classification.
Comment: The XRCC4 c.127T>C variant is predicted to result in the amino acid substitution p.Trp43Arg. This variant has been reported in the homozygous state in individuals with short stature and microcephaly (Shaheen et al. 2014. PubMed ID: 24389050; Shaheen et al. 2018. PubMed ID: 30214071; Asa et al. 2021. PubMed ID: 33842963). Functional studies showed that this variant impacts protein functions (Murray et al. 2015. PubMed ID: 25728776; Asa et al. 2021. PubMed ID: 33842963). This variant is reported in 0.013% of alleles in individuals of South Asian descent in gnomAD. This variant is interpreted as pathogenic

OMIM
Classification: Pathogenic for SHORT STATURE, MICROCEPHALY, AND ENDOCRINE DYSFUNCTION. Last evaluated: 2015-07-23. Review status: no assertion criteria provided. Collection method: literature only. Allele origin: germline. Not counted in ClinVar's aggregate classification.

Genomic Medicine Center of Excellence, King Faisal Specialist Hospital and Research Centre
Classification: Pathogenic for Primordial Dwarfism. Review status: no assertion criteria provided. Collection method: research. Allele origin: germline. Affected: yes. Study: Genomic Analysis of Primordial Dwarfism Reveals Novel Disease Genes. Not counted in ClinVar's aggregate classification.

Literature cited by the submitters: PubMed 24389050 (cited by OMIM and Genomic Medicine Center of Excellence, King Faisal Specialist Hospital and Research Centre); PubMed 25728776 (cited by OMIM); PubMed 26255102 (cited by OMIM); PubMed 25558065 (cited by Genomic Medicine Center of Excellence, King Faisal Specialist Hospital and Research Centre).

NM_003401.5(XRCC4):c.127T>C (p.Trp43Arg)

Gene: XRCC4 (X-ray repair cross complementing 4; plus strand). Cytogenetic location: 5q14.2.
Variant type: single nucleotide variant.
Coding change: c.127T>C on transcript NM_003401.5 (MANE Select); coding-DNA position 127, T replaced by C.
Protein change: p.Trp43Arg; replaces tryptophan 43 with arginine.
Molecular consequence: missense variant.
Genome position (GRCh38, 1-based): chr5:83,105,046, T>C. VCF-style: chr5-83105046-T-C. GRCh37 (hg19) VCF-style: chr5-82400865-T-C.
Other names: c.127T>C, p.Trp43Arg (NM_001318012.3, NM_001318013.2, NM_022406.5 and 1 more transcripts); c.127T>C (NM_022406.3); short protein forms W43R.
Identifiers: ClinVar variation 127246 (VCV000127246.6), dbSNP rs587779351, ClinGen allele CA151434.
Genomic context (GRCh38, chr5:83,105,046, plus strand): 5'-TCTTGGGAGAAAACACTGGAATCTGGTTTTGTTATTACACTTACTGATGGTCATTCAGCA[T>C]GGACTGGGACAGGTAATACTAAAAACAAAGTTTTTATAAGTAAAATTTAAGTGTGCTATT-3'
Protein context (NP_003392.1, residues 33-53): VITLTDGHSA[Trp43Arg]TGTVSESEIS